The following is an entry in ClinVar:

NM_001379200.1(TBX1):c.451A>G (p.Thr151Ala)

Gene: TBX1 (T-box transcription factor 1; plus strand). Cytogenetic location: 22q11.21.
Variant type: single nucleotide variant.
Coding change: c.451A>G on transcript NM_001379200.1 (MANE Select); coding-DNA position 451, A replaced by G.
Protein change: p.Thr151Ala; replaces threonine 151 with alanine.
Molecular consequence: missense variant.
Genome position (GRCh38, 1-based): chr22:19,763,254, A>G. VCF-style: chr22-19763254-A-G. GRCh37 (hg19) VCF-style: chr22-19750777-A-G.
Other names: c.424A>G, p.Thr142Ala (NM_005992.1, NM_080646.2, NM_080647.1); short protein forms T142A, T151A.
Identifiers: ClinVar variation 1331187 (VCV001331187.3), dbSNP rs2145832239, ClinGen allele CA410682106.
Genomic context (GRCh38, chr22:19,763,254, plus strand): 5'-GGCTGCCTTCCACCAGCTAGGGTGACCCAAGGCCTCATCACCCCCAGGCGGATGTTTCCC[A>G]CCTTCCAAGTGAAGCTCTTCGGCATGGATCCCATGGCCGACTATATGCTGCTCATGGACT-3'
Protein context (NP_001366129.1, residues 141-161): VTKAGRRMFP[Thr151Ala]FQVKLFGMDP

ClinVar aggregate classification (germline): Uncertain significance. Review status: criteria provided, multiple submitters, no conflicts (2 of 4 stars). 2 submissions from 2 submitters: Uncertain significance (2). Last evaluated 2023-12-31.

Conditions:
Cardiovascular phenotype. Identifiers: MedGen CN230736.

Submissions (2):

Ambry Genetics
Classification: Uncertain significance for Cardiovascular phenotype. Last evaluated: 2023-12-31. Review status: criteria provided, single submitter. Criteria: Ambry Variant Classification Scheme 2023. Collection method: clinical testing. Allele origin: germline.
Comment: The p.T142A variant (also known as c.424A>G), located in coding exon 3 of the TBX1 gene, results from an A to G substitution at nucleotide position 424. The threonine at codon 142 is replaced by alanine, an amino acid with similar properties. This amino acid position is conserved. In addition, the in silico prediction for this alteration is inconclusive. Since supporting evidence is limited at this time, the clinical significance of this alteration remains unclear.

GeneDx
Classification: Uncertain significance. Last evaluated: 2021-06-28. Review status: criteria provided, single submitter. Criteria: GeneDx Variant Classification Process June 2021. Collection method: clinical testing. Allele origin: germline. Affected: yes.
Comment: Not observed at significant frequency in large population cohorts (Lek et al., 2016); In silico analysis supports that this missense variant has a deleterious effect on protein structure/function; Has not been previously published as pathogenic or benign to our knowledge; This variant is associated with the following publications: (PMID: 27535533)